The following is an entry in ClinVar:

ClinVar aggregate classification (germline): Uncertain significance (1 of 4 stars; one submission).

Conditions:
Septo-optic dysplasia sequence (SOD). Also called: DE MORSIER SYNDROME; Septo-optic dysplasia. Identifiers: Orphanet 3157, MedGen C0338503, MONDO:0008428, OMIM 182230, HP:0100842.
GROWTH HORMONE DEFICIENCY WITH PITUITARY ANOMALIES. Identifiers: MedGen C2750027, OMIM 182230.

gnomAD v4.1: 1 of 1,613,972 alleles (0.000062%); highest among the groups gnomAD compares: Admixed American, 0.0017%; no homozygotes.

Submission:

Labcorp Genetics (formerly Invitae), Labcorp
Classification: Uncertain significance for GROWTH HORMONE DEFICIENCY WITH PITUITARY ANOMALIES; Septo-optic dysplasia sequence. Last evaluated: 2022-07-30. Review status: criteria provided, single submitter. Criteria: Invitae Variant Classification Sherloc (09022015). Collection method: clinical testing. Allele origin: germline.
Comment: This variant has not been reported in the literature in individuals affected with HESX1-related conditions. In summary, the available evidence is currently insufficient to determine the role of this variant in disease. Therefore, it has been classified as a Variant of Uncertain Significance. Algorithms developed to predict the effect of missense changes on protein structure and function are either unavailable or do not agree on the potential impact of this missense change (SIFT: "Deleterious"; PolyPhen-2: "Possibly Damaging"; Align-GVGD: "Class C0"). This variant is not present in population databases (gnomAD no frequency). This sequence change replaces glutamic acid, which is acidic and polar, with valine, which is neutral and non-polar, at codon 102 of the HESX1 protein (p.Glu102Val).

NM_003865.3(HESX1):c.305A>T (p.Glu102Val)

Gene: HESX1 (HESX homeobox 1; minus strand). Cytogenetic location: 3p14.3.
Variant type: single nucleotide variant.
Coding change: c.305A>T on transcript NM_003865.3 (MANE Select); coding-DNA position 305, A replaced by T.
Protein change: p.Glu102Val; replaces glutamic acid 102 with valine.
Molecular consequence: missense variant.
Genome position (GRCh38, 1-based): chr3:57,198,805, T>A on the plus strand (A>T on the coding strand, the complement: HESX1 is on the minus strand). VCF-style: chr3-57198805-T-A. GRCh37 (hg19) VCF-style: chr3-57232833-T-A.
Other names: c.305A>T, p.Glu102Val (NM_001376058.1, NM_001376059.1, NM_001376060.1 and 1 more transcripts); short protein forms E102V.
Identifiers: ClinVar variation 2151316 (VCV002151316.4), dbSNP rs1465556147, ClinGen allele CA353401060.